The following is an entry in ClinVar:

ClinVar aggregate classification (germline): Uncertain significance (1 of 4 stars; one submission).

Conditions:
Peroxisome biogenesis disorder 5A (Zellweger) (PBD5A). Identifiers: Orphanet 912, MedGen C3553940, MONDO:0013932, OMIM 614866.

Submission:

Labcorp Genetics (formerly Invitae), Labcorp
Classification: Uncertain significance for Peroxisome biogenesis disorder 5A (Zellweger). Last evaluated: 2022-05-20. Review status: criteria provided, single submitter. Criteria: Invitae Variant Classification Sherloc (09022015). Collection method: clinical testing. Allele origin: germline.
Comment: This sequence change replaces proline, which is neutral and non-polar, with serine, which is neutral and polar, at codon 54 of the PEX2 protein (p.Pro54Ser). Information on the frequency of this variant in the gnomAD database is not available, as this variant may be reported differently in the database. This variant has not been reported in the literature in individuals affected with PEX2-related conditions. Experimental studies and prediction algorithms are not available or were not evaluated, and the functional significance of this variant is currently unknown. In summary, the available evidence is currently insufficient to determine the role of this variant in disease. Therefore, it has been classified as a Variant of Uncertain Significance.

NM_000318.3(PEX2):c.159_160delinsAT (p.Pro54Ser)

Gene: PEX2 (peroxisomal biogenesis factor 2; minus strand). Cytogenetic location: 8q21.13.
Variant type: Indel.
Coding change: c.159_160delinsAT on transcript NM_000318.3 (MANE Select); coding-DNA positions 159 to 160, GC replaced by AT.
Protein change: p.Pro54Ser; replaces proline 54 with serine.
Molecular consequence: missense variant.
Genome position (GRCh38, 1-based): chr8:76,984,019-76,984,020, GC replaced by AT on the plus strand (GC replaced by AT on the coding strand, the reverse complement: PEX2 is on the minus strand). VCF-style: chr8-76984019-GC-AT. GRCh37 (hg19) VCF-style: chr8-77896255-GC-AT.
Other names: c.159_160delinsAT, p.Pro54Ser (NM_001079867.2, NM_001172086.2, NM_001172087.2); short protein forms P54S.
Identifiers: ClinVar variation 2050712 (VCV002050712.2), dbSNP rs2487453391, ClinGen allele CA2580078959.
Genomic context (GRCh38, chr8:76,984,019, plus strand): 5'-CATTTTTGGAGTAGATGGTGAATCTCCACAAGAAAACCCATAAGCACGCTTTCACCTCTG[GC>AT]TCAAAGCGAGCTAACAGCCCAGGTTTAAATCCATGAAAGCACTGAGTAAACTGGGACCAA-3'
Protein context (NP_000309.2, residues 44-64): FKPGLLARFE[Pro54Ser]EVKACLWVFL